The following is an entry in ClinVar:

ClinVar aggregate classification (germline): Pathogenic (1 of 4 stars; one submission).

Conditions:
Episodic ataxia type 2 (EA2). Also called: CEREBELLAR ATAXIA, PAROXYSMAL, ACETAZOLAMIDE-RESPONSIVE; CEREBELLOPATHY, HEREDITARY PAROXYSMAL; EPISODIC ATAXIA, NYSTAGMUS-ASSOCIATED; ACETAZOLAMIDE-RESPONSIVE HEREDITARY PAROXYSMAL CEREBELLAR ATAXIA; ATAXIA, EPISODIC, WITH NYSTAGMUS; ATAXIA, FAMILIAL PAROXYSMAL. Identifiers: Orphanet 97, MedGen C1720416, MONDO:0007163, OMIM 108500.
Developmental and epileptic encephalopathy, 42 (DEE42A). Also called: Epileptic encephalopathy, early infantile, 42; DEVELOPMENTAL AND EPILEPTIC ENCEPHALOPATHY 42A; EPILEPTIC ENCEPHALOPATHY, EARLY INFANTILE, 42A. Identifiers: MedGen C4310716, MONDO:0014917, OMIM 617106.

Submission:

Labcorp Genetics (formerly Invitae), Labcorp
Classification: Pathogenic for Developmental and epileptic encephalopathy, 42; Episodic ataxia type 2. Last evaluated: 2025-06-23. Review status: criteria provided, single submitter. Criteria: Invitae Variant Classification Sherloc (09022015). Collection method: clinical testing. Allele origin: germline.
Comment: This sequence change is expected to alter the c-terminus of the CACNA1A protein (p.Asp2190Thrfs*317). While this is not anticipated to result in nonsense mediated decay, it is expected to disrupt the last 72 amino acid(s) of the CACNA1A protein and extend the protein by 244 additional amino acid residues. This variant is not present in population databases (gnomAD no frequency). This variant has not been reported in the literature in individuals affected with CACNA1A-related conditions. ClinVar contains an entry for this variant (Variation ID: 2941441). This variant disrupts a region of the CACNA1A protein in which other variant(s) (p.Arg2228His) have been determined to be pathogenic (internal data). This suggests that this is a clinically significant region of the protein, and that variants that disrupt it are likely to be disease-causing. For these reasons, this variant has been classified as Pathogenic.

NM_001127222.2(CACNA1A):c.6565del (p.Asp2189fs)

Gene: CACNA1A (calcium voltage-gated channel subunit alpha1 A; minus strand). Cytogenetic location: 19p13.13.
Variant type: Deletion.
Coding change: c.6565del on transcript NM_001127222.2 (MANE Select); coding-DNA position 6565, one base deleted (G; older notation c.6565delG).
Protein change: p.Asp2189fs; shifts the reading frame from aspartic acid 2189.
Molecular consequence: frameshift variant.
Genome position (GRCh38, 1-based): chr19:13,208,971, C deleted on the plus strand (G on the coding strand, the reverse complement: CACNA1A is on the minus strand); the first of 4 consecutive C bases (chr19:13,208,971-13,208,974); deleting any one gives the same sequence. VCF-style (leftmost placement, unchanged base first): chr19-13208970-TC-T. GRCh37 (hg19) VCF-style: chr19-13319784-TC-T.
Other names: c.6583del, p.Asp2195fs (NM_000068.4, NM_023035.3); c.6568del, p.Asp2190fs (NM_001127221.2); c.6574del, p.Asp2192fs (NM_001174080.2); short protein forms D2189fs, D2195fs, D2190fs, D2192fs.
Identifiers: ClinVar variation 2941441 (VCV002941441.3), dbSNP rs2512516984, ClinGen allele CA2740091917.